The following is an entry in ClinVar:

NM_007194.4(CHEK2):c.114A>G (p.Ile38Met)

Gene: CHEK2 (checkpoint kinase 2; minus strand). Cytogenetic location: 22q12.1.
Variant type: single nucleotide variant.
Coding change: c.114A>G on transcript NM_007194.4 (MANE Select); coding-DNA position 114, A replaced by G.
Protein change: p.Ile38Met; replaces isoleucine 38 with methionine.
Molecular consequence: missense variant.
Genome position (GRCh38, 1-based): chr22:28,734,608, T>C on the plus strand (A>G on the coding strand, the complement: CHEK2 is on the minus strand). VCF-style: chr22-28734608-T-C. GRCh37 (hg19) VCF-style: chr22-29130596-T-C.
Other names: c.114A>G, p.Ile38Met (NM_145862.3, NM_001005735.3, NM_001349956.3); c.-664A>G (NM_001257387.3); short protein forms I38M.
Identifiers: ClinVar variation 234836 (VCV000234836.2), dbSNP rs876661249, ClinGen allele CA10577652.

ClinVar aggregate classification (germline): Uncertain significance (1 of 4 stars; one submission).

Submission:

GeneDx
Classification: Uncertain significance. Last evaluated: 2016-02-10. Review status: criteria provided, single submitter. Criteria: GeneDx Variant Classification (06012015). Collection method: clinical testing. Allele origin: germline. Affected: yes.
Comment: This variant is denoted CHEK2 c.114A>G at the cDNA level, p.Ile38Met (I38M) at the protein level, and results in the change of an Isoleucine to a Methionine (ATA>ATG). This variant has not, to our knowledge, been published in the literature as pathogenic or benign. CHEK2 Ile38Met was not observed in approximately 6,500 individuals of European and African American ancestry in the NHLBI Exome Sequencing Project, suggesting it is not a common benign variant in these populations. Since Isoleucine and Methionine share similar properties, this is considered a conservative amino acid substitution. CHEK2 Ile38Met occurs at a position that is not conserved and is located in the SQ/TQ domain (Roeb 2012). In silico analyses predict that this variant is unlikely to alter protein structure or function. Based on currently available evidence, it is unclear whether CHEK2 Ile38Met is a pathogenic or benign variant. We consider it to be a variant of uncertain significance.